The following is an entry in ClinVar:

ClinVar aggregate classification (germline): Uncertain significance (1 of 4 stars; one submission).

gnomAD v4.1: 9 of 1,613,602 alleles (0.00056%); highest among the groups gnomAD compares: Non-Finnish European, 0.00076%; no homozygotes.

Submission:

Labcorp Genetics (formerly Invitae), Labcorp
Classification: Uncertain significance. Last evaluated: 2024-07-02. Review status: criteria provided, single submitter. Criteria: Invitae Variant Classification Sherloc (09022015). Collection method: clinical testing. Allele origin: germline.
Comment: This sequence change replaces glutamine, which is neutral and polar, with histidine, which is basic and polar, at codon 4382 of the HMCN1 protein (p.Gln4382His). This variant is not present in population databases (gnomAD no frequency). This variant has not been reported in the literature in individuals affected with HMCN1-related conditions. An algorithm developed to predict the effect of missense changes on protein structure and function (PolyPhen-2) suggests that this variant is likely to be disruptive. In summary, the available evidence is currently insufficient to determine the role of this variant in disease. Therefore, it has been classified as a Variant of Uncertain Significance.

NM_031935.3(HMCN1):c.13146G>T (p.Gln4382His)

Gene: HMCN1 (hemicentin 1; plus strand). Cytogenetic location: 1q31.1.
Variant type: single nucleotide variant.
Coding change: c.13146G>T on transcript NM_031935.3 (MANE Select); coding-DNA position 13146, G replaced by T.
Protein change: p.Gln4382His; replaces glutamine 4382 with histidine.
Molecular consequence: missense variant.
Genome position (GRCh38, 1-based): chr1:186,130,613, G>T. VCF-style: chr1-186130613-G-T. GRCh37 (hg19) VCF-style: chr1-186099745-G-T.
Other names: short protein forms Q4382H.
Identifiers: ClinVar variation 3698018 (VCV003698018.2).